The following is an entry in ClinVar:

NM_001267550.2(TTN):c.20C>T (p.Thr7Met)

Gene: TTN (titin; minus strand). Cytogenetic location: 2q31.2.
Variant type: single nucleotide variant.
Coding change: c.20C>T on transcript NM_001267550.2 (MANE Select); coding-DNA position 20, C replaced by T.
Protein change: p.Thr7Met; replaces threonine 7 with methionine.
Molecular consequence: missense variant.
Genome position (GRCh38, 1-based): chr2:178,804,623, G>A on the plus strand (C>T on the coding strand, the complement: TTN is on the minus strand). VCF-style: chr2-178804623-G-A. GRCh37 (hg19) VCF-style: chr2-179669350-G-A.
Other names: p.Thr7Met; c.20C>T, p.Thr7Met (NM_001256850.1, NM_003319.4, NM_133378.4 and 3 more transcripts); short protein forms T7M.
Identifiers: ClinVar variation 2682801 (VCV002682801.3), dbSNP rs761344572, ClinGen allele CA2006452.

ClinVar aggregate classification (germline): Conflicting classifications of pathogenicity. Review status: criteria provided, conflicting classifications (1 of 4 stars). 3 submissions from 3 submitters: Uncertain significance (2); Likely benign (1). Last evaluated 2026-07-15.

Allele frequency attached by ClinVar (database versions not stated): TOPMed 0.00002.
gnomAD v4.1: 19 of 1,613,900 alleles (0.0012%); highest among the groups gnomAD compares: South Asian, 0.0033%; no homozygotes.

Submissions (3):

GeneDx
Classification: Uncertain significance. Last evaluated: 2026-07-15. Review status: criteria provided, single submitter. Criteria: GeneDx Variant Classification Process June 2021. Collection method: clinical testing. Allele origin: germline.
Comment: Not observed at significant frequency in large population cohorts (gnomAD); Missense variant in a gene in which most reported pathogenic variants are truncating/loss of function; Has not been previously published as pathogenic or benign to our knowledge

Blueprint Genetics
Classification: Likely benign. Last evaluated: 2024-04-02. Review status: criteria provided, single submitter. Criteria: ACMG Guidelines, 2015. Collection method: clinical testing. Allele origin: germline.

Mayo Clinic Laboratories, Mayo Clinic
Classification: Uncertain significance. Last evaluated: 2022-10-05. Review status: criteria provided, single submitter. Criteria: ACMG Guidelines, 2015. Collection method: clinical testing. Allele origin: germline. Observed: 1 variant allele.
Comment: BP4